The following is an entry in ClinVar:

ClinVar aggregate classification (germline): Uncertain significance (1 of 4 stars; one submission).

Conditions:
Propionic acidemia (PROP). Also called: GLYCINEMIA, KETOTIC; HYPERGLYCINEMIA WITH KETOACIDOSIS AND LEUKOPENIA; KETOTIC HYPERGLYCINEMIA. Identifiers: Orphanet 35, MedGen C0268579, MONDO:0011628, OMIM 606054, HP:0003571.

Allele frequency attached by ClinVar (database versions not stated): gnomAD exomes below 0.00001; TOPMed below 0.00001.
gnomAD v4.1: 1 of 1,613,672 alleles (0.000062%); highest among the groups gnomAD compares: African/African-American, 0.0013%; no homozygotes.

Submission:

Labcorp Genetics (formerly Invitae), Labcorp
Classification: Uncertain significance for Propionic acidemia. Last evaluated: 2021-11-30. Review status: criteria provided, single submitter. Criteria: Invitae Variant Classification Sherloc (09022015). Collection method: clinical testing. Allele origin: germline.
Comment: This variant is not present in population databases (gnomAD no frequency). In summary, the available evidence is currently insufficient to determine the role of this variant in disease. Therefore, it has been classified as a Variant of Uncertain Significance. Advanced modeling of protein sequence and biophysical properties (such as structural, functional, and spatial information, amino acid conservation, physicochemical variation, residue mobility, and thermodynamic stability) performed at Invitae indicates that this missense variant is not expected to disrupt PCCA protein function. This variant has not been reported in the literature in individuals affected with PCCA-related conditions. This sequence change replaces cysteine, which is neutral and slightly polar, with arginine, which is basic and polar, at codon 712 of the PCCA protein (p.Cys712Arg).

NM_000282.4(PCCA):c.2134T>C (p.Cys712Arg)

Gene: PCCA (propionyl-CoA carboxylase subunit alpha; plus strand). Cytogenetic location: 13q32.3.
Variant type: single nucleotide variant.
Coding change: c.2134T>C on transcript NM_000282.4 (MANE Select); coding-DNA position 2134, T replaced by C.
Protein change: p.Cys712Arg; replaces cysteine 712 with arginine.
Molecular consequence: missense variant. On other transcripts: non-coding transcript variant (5).
Genome position (GRCh38, 1-based): chr13:100,530,113, T>C. VCF-style: chr13-100530113-T-C. GRCh37 (hg19) VCF-style: chr13-101182367-T-C.
Other names: c.2056T>C, p.Cys686Arg (NM_001127692.3); c.1993T>C, p.Cys665Arg (NM_001178004.2); c.2080T>C, p.Cys694Arg (NM_001352605.2); c.1990T>C, p.Cys664Arg (NM_001352606.2); c.1915T>C, p.Cys639Arg (NM_001352607.2); c.1912T>C, p.Cys638Arg (NM_001352608.2); c.1189T>C, p.Cys397Arg (NM_001352610.2); c.1135T>C, p.Cys379Arg (NM_001352611.2); and 1 more; short protein forms C379R, C638R, C639R, C664R, C665R, C694R, C349R, C712R.
Identifiers: ClinVar variation 1474303 (VCV001474303.5), dbSNP rs2088292660, ClinGen allele CA388641048.